The following is an entry in ClinVar:

ClinVar aggregate classification (germline): Likely benign (1 of 4 stars; one submission).

Submission:

GeneDx
Classification: Likely benign. Last evaluated: 2018-06-19. Review status: criteria provided, single submitter. Criteria: GeneDx Variant Classification (06012015). Collection method: clinical testing. Allele origin: germline. Affected: yes.
Comment: This variant is considered likely benign or benign based on one or more of the following criteria: it is a conservative change, it occurs at a poorly conserved position in the protein, it is predicted to be benign by multiple in silico algorithms, and/or has population frequency not consistent with disease.

NM_015443.4(KANSL1):c.1534-300CT[5]

Gene: KANSL1 (KAT8 regulatory NSL complex subunit 1). Cytogenetic location: 17q21.31.
Variant type: Microsatellite.
Coding change: c.1534-300CT[5] on transcript NM_015443.4 (MANE Select); five copies in a row of the 2-base unit CT starting at c.1534-300.
Molecular consequence: intron variant.
Genome position: GRCh38 VCF-style: chr17-46067953-AAGAG-A. GRCh37 (hg19) VCF-style: chr17-44145319-AAGAG-A.
Other names: c.1534-300CT[5] (NM_001193465.2, NM_001379198.1, NM_001193466.2).
Identifiers: ClinVar variation 674060 (VCV000674060.1), dbSNP rs144435729, ClinGen allele CA291127155.
Genomic context (GRCh38, chr17:46,067,953, plus strand): 5'-TGAGACCAGGAGTTTTGAGACCAGCCTGGGCAACACAGCGAGACCTCATCTCTAATTAAA[AAGAG>A]AGAGAGAGAGGTTGACAGAGAGAAGGAGAATATTATATTAGCTTTTGCTTTGGGGGGAAG-3'